The following is an entry in ClinVar:

ClinVar aggregate classification (germline): Uncertain significance. Review status: criteria provided, multiple submitters, no conflicts (2 of 4 stars). 2 submissions from 2 submitters: Uncertain significance (2). Last evaluated 2025-07-12.

Conditions:
Inborn genetic diseases. Identifiers: MedGen C0950123, MeSH D030342.
Immunodeficiency, common variable, 10. Also called: IMMUNODEFICIENCY, COMMON VARIABLE, WITH CENTRAL ADRENAL INSUFFICIENCY; DEFICIT IN ANTERIOR PITUITARY FUNCTION AND VARIABLE IMMUNODEFICIENCY. Identifiers: MedGen C3809991, MONDO:0014260, OMIM 615577.

Allele frequency attached by ClinVar (database versions not stated): TOPMed below 0.00001; gnomAD exomes 0.00001 and 0.00004; ExAC 0.00002; ESP Exome Variant Server 0.00008.
gnomAD v4.1: 52 of 1,593,670 alleles (0.0033%); highest among the groups gnomAD compares: Non-Finnish European, 0.0044%; no homozygotes.

Submissions (2):

Ambry Genetics
Classification: Uncertain significance for Inborn genetic diseases. Last evaluated: 2025-07-12. Review status: criteria provided, single submitter. Criteria: Ambry Variant Classification Scheme 2023. Collection method: clinical testing. Allele origin: germline.

Labcorp Genetics (formerly Invitae), Labcorp
Classification: Uncertain significance for Immunodeficiency, common variable, 10. Last evaluated: 2024-03-11. Review status: criteria provided, single submitter. Criteria: Invitae Variant Classification Sherloc (09022015). Collection method: clinical testing. Allele origin: germline.
Comment: This sequence change replaces alanine, which is neutral and non-polar, with threonine, which is neutral and polar, at codon 696 of the NFKB2 protein (p.Ala696Thr). This variant is present in population databases (rs377677859, gnomAD 0.003%). This variant has not been reported in the literature in individuals affected with NFKB2-related conditions. ClinVar contains an entry for this variant (Variation ID: 661127). An algorithm developed to predict the effect of missense changes on protein structure and function (PolyPhen-2) suggests that this variant is likely to be tolerated. In summary, the available evidence is currently insufficient to determine the role of this variant in disease. Therefore, it has been classified as a Variant of Uncertain Significance.

NM_001322934.2(NFKB2):c.2086G>A (p.Ala696Thr)

Gene: NFKB2 (nuclear factor kappa B subunit 2; plus strand). Cytogenetic location: 10q24.32.
Variant type: single nucleotide variant.
Coding change: c.2086G>A on transcript NM_001322934.2 (MANE Select); coding-DNA position 2086, G replaced by A.
Protein change: p.Ala696Thr; replaces alanine 696 with threonine.
Molecular consequence: missense variant.
Genome position (GRCh38, 1-based): chr10:102,401,194, G>A. VCF-style: chr10-102401194-G-A. GRCh37 (hg19) VCF-style: chr10-104160951-G-A.
Other names: c.2086G>A, p.Ala696Thr (LRG_1347t1, NM_001077494.3, NM_001261403.3 and 2 more transcripts); c.1960G>A, p.Ala654Thr (NM_001322935.1); c.2086G>A (NM_001077494.1); short protein forms A654T, A696T.
Identifiers: ClinVar variation 661127 (VCV000661127.10), dbSNP rs377677859, ClinGen allele CA5664991.